The following is an entry in ClinVar:

ClinVar aggregate classification (germline): Conflicting classifications of pathogenicity. Review status: criteria provided, conflicting classifications (1 of 4 stars). 6 submissions from 6 submitters: Uncertain significance (5); Likely benign (1). Last evaluated 2026-07-17.

Conditions:
RET-related disorder. Also called: RET-related condition; RET-related disease; RET-related disorders.
Hereditary cancer-predisposing syndrome. Also called: Neoplastic Syndromes, Hereditary; Hereditary Cancer Syndrome; Tumor predisposition; Hereditary neoplastic syndrome. Identifiers: Orphanet 140162, MedGen C0027672, MeSH D009386, MONDO:0015356.
Multiple endocrine neoplasia, type 2 (MEN2). Identifiers: Orphanet 653, MedGen C4048306, MONDO:0019003. Disease mechanism: gain of function.

Allele frequency attached by ClinVar (database versions not stated): ExAC 0.00001; gnomAD 0.00001 and 0.00002; gnomAD exomes 0.00001 and 0.00002; TOPMed 0.00003.

Submissions (6):

PreventionGenetics, part of Exact Sciences
Classification: Uncertain significance for RET-related condition. Last evaluated: 2026-07-17. Review status: criteria provided, single submitter. Criteria: ACMG Guidelines, 2015. Collection method: clinical testing. Allele origin: germline.
Comment: The RET c.170G>A variant is predicted to result in the amino acid substitution p.Arg57Gln. This variant was reported in a fetus with multicystic dysplastic kidney and in the father who was unaffected (Jeanpierre et al. 2011. PubMed ID: 21490379) and in an individual with breast cancer (Table S3, de Oliveira et al. 2022. PubMed ID: 35534704). This variant is reported in 0.0058% of alleles in individuals of Latino descent in gnomAD and has conflicting interpretations in ClinVar ranging from uncertain to likely benign (Variation ID: 477323). At this time, the clinical significance of this variant is uncertain due to the absence of conclusive functional and genetic evidence.

Labcorp Genetics (formerly Invitae), Labcorp
Classification: Uncertain significance for Multiple endocrine neoplasia, type 2. Last evaluated: 2026-01-26. Review status: criteria provided, single submitter. Criteria: Invitae Variant Classification Sherloc (09022015). Collection method: clinical testing. Allele origin: germline.
Comment: This sequence change replaces arginine, which is basic and polar, with glutamine, which is neutral and polar, at codon 57 of the RET protein (p.Arg57Gln). This variant is present in population databases (rs779915615, gnomAD 0.006%). This variant has been reported in a fetus affected with multicystic dysplastic kidney, as well as the unaffected father (PMID: 21490379). ClinVar contains an entry for this variant (Variation ID: 477323). An algorithm developed to predict the effect of missense changes on protein structure and function outputs the following: PolyPhen-2: "Benign". The glutamine amino acid residue is found in multiple mammalian species, which suggests that this missense change does not adversely affect protein function. In summary, the available evidence is currently insufficient to determine the role of this variant in disease. Therefore, it has been classified as a Variant of Uncertain Significance.

GeneDx
Classification: Uncertain significance. Last evaluated: 2024-06-10. Review status: criteria provided, single submitter. Criteria: GeneDx Variant Classification Process June 2021. Collection method: clinical testing. Allele origin: germline. Affected: yes.
Comment: In silico analysis indicates that this missense variant does not alter protein structure/function; Observed as a variant inherited from an unaffected parent in a fetus with multicystic dysplastic kidney (PMID: 21490379); Observed in an individual with breast cancer in published literature (PMID: 35534704); This variant is associated with the following publications: (PMID: 14633923, 30792639, 21490379, 35534704)

Molecular Pathology, Peter Maccallum Cancer Centre
Classification: Uncertain significance for Multiple endocrine neoplasia, type 2. Last evaluated: 2024-03-04. Review status: criteria provided, single submitter. Criteria: ACMG Guidelines, 2015. Collection method: clinical testing. Allele origin: germline. Inheritance: Autosomal dominant inheritance.

All of Us Research Program, National Institutes of Health
Classification: Uncertain significance for Multiple endocrine neoplasia, type 2. Last evaluated: 2023-10-06. Review status: criteria provided, single submitter. Criteria: ACMG Guidelines, 2015. Collection method: clinical testing. Allele origin: germline. Inheritance: Autosomal dominant inheritance. Observed: 4 variant alleles, 4 heterozygotes.
Comment: This missense variant replaces arginine with glutamine at codon 57 of the RET protein. Computational prediction suggests that this variant may not impact protein structure and function (internally defined REVEL score threshold <= 0.5, PMID: 27666373). To our knowledge, functional studies have not been reported for this variant. This variant has not been reported in individuals affected with RET-related disorders in the literature. This variant has been identified in 6/250982 chromosomes in the general population by the Genome Aggregation Database (gnomAD). The available evidence is insufficient to determine the role of this variant in disease conclusively. Therefore, this variant is classified as a Variant of Uncertain Significance.

This study involves interpretation of variants in research participants for the purpose of population health screening. Participant phenotype was not available at the time of variant classification. Additional details can be found in publication PMID: 35346344, PMCID: PMC8962531

Ambry Genetics
Classification: Likely benign for Hereditary cancer-predisposing syndrome. Last evaluated: 2019-03-08. Review status: criteria provided, single submitter. Criteria: Ambry Variant Classification Scheme 2023. Collection method: clinical testing. Allele origin: germline.

Literature cited by the submitters: PubMed 21490379 (cited by Labcorp Genetics (formerly Invitae), Labcorp).

NM_020975.6(RET):c.170G>A (p.Arg57Gln)

Gene: RET (ret proto-oncogene; plus strand). Cytogenetic location: 10q11.21.
Variant type: single nucleotide variant.
Coding change: c.170G>A on transcript NM_020975.6 (MANE Select); coding-DNA position 170, G replaced by A.
Protein change: p.Arg57Gln; replaces arginine 57 with glutamine.
Molecular consequence: missense variant.
Genome position (GRCh38, 1-based): chr10:43,100,555, G>A. VCF-style: chr10-43100555-G-A. GRCh37 (hg19) VCF-style: chr10-43596003-G-A.
Other names: c.170G>A, p.Arg57Gln (NM_001406776.1, NM_001406777.1, NM_001406778.1 and 34 more transcripts); short protein forms R57Q.
Identifiers: ClinVar variation 477323 (VCV000477323.19), dbSNP rs779915615, ClinGen allele CA035162.
Genomic context (GRCh38, chr10:43,100,555, plus strand): 5'-GGGAGAAGCTGTATGTGGACCAGGCAGCCGGCACGCCCTTGCTGTACGTCCATGCCCTGC[G>A]GGACGCCCCTGAGGAGGTGCCCAGCTTCCGCCTGGGCCAGCATCTCTACGGCACGTACCG-3'
Protein context (NP_066124.1, residues 47-67): GTPLLYVHAL[Arg57Gln]DAPEEVPSFR